The following is an entry in ClinVar:

NM_014845.6(FIG4):c.776-270C>T

Gene: FIG4 (FIG4 phosphoinositide 5-phosphatase; plus strand). Cytogenetic location: 6q21.
Variant type: single nucleotide variant.
Coding change: c.776-270C>T on transcript NM_014845.6 (MANE Select); 270 bases into the intron before coding-DNA position 776, C replaced by T.
Molecular consequence: intron variant.
Genome position (GRCh38, 1-based): chr6:109,741,174, C>T. VCF-style: chr6-109741174-C-T. GRCh37 (hg19) VCF-style: chr6-110062377-C-T.
Identifiers: ClinVar variation 673489 (VCV000673489.1), dbSNP rs112727135, ClinGen allele CA145135864.
Genomic context (GRCh38, chr6:109,741,174, plus strand): 5'-GAAACCATATCAGAAGGATTAGTTGTACTTGTTTACATCCTTACTTGGCCATAGGGCTTT[C>T]CTTGGCCAGTAACCCTACACCTGGTTACCATTTTCTCTGAAATTTATGGAAAGCACTCCT-3'

ClinVar aggregate classification (germline): Likely benign (1 of 4 stars; one submission).

Allele frequency attached by ClinVar (database versions not stated): gnomAD 0.01056 and 0.01149; 1000 Genomes Project 0.01118; 1000 Genomes Project 30x 0.01156; TOPMed 0.01204.
gnomAD v4.1: 1,593 of 152,212 alleles (1%); highest among the groups gnomAD compares: African/African-American, 3.7%; 29 homozygotes.

Submission:

GeneDx
Classification: Likely benign. Last evaluated: 2018-06-16. Review status: criteria provided, single submitter. Criteria: GeneDx Variant Classification (06012015). Collection method: clinical testing. Allele origin: germline. Affected: yes.
Comment: This variant is considered likely benign or benign based on one or more of the following criteria: it is a conservative change, it occurs at a poorly conserved position in the protein, it is predicted to be benign by multiple in silico algorithms, and/or has population frequency not consistent with disease.